The following is an entry in ClinVar:

ClinVar aggregate classification (germline): Pathogenic (1 of 4 stars; one submission).

Conditions:
Fanconi anemia (FA). Also called: Fanconi's anemia. Identifiers: Orphanet 84, MedGen C0015625, MeSH D005199, MONDO:0019391.

Allele frequency attached by ClinVar (database versions not stated): gnomAD exomes below 0.00001; TOPMed below 0.00001; ExAC 0.00001.

Submission:

Labcorp Genetics (formerly Invitae), Labcorp
Classification: Pathogenic for Fanconi anemia. Last evaluated: 2023-07-28. Review status: criteria provided, single submitter. Criteria: Invitae Variant Classification Sherloc (09022015). Collection method: clinical testing. Allele origin: germline.
Comment: For these reasons, this variant has been classified as Pathogenic. This sequence change creates a premature translational stop signal (p.Ser232Valfs*4) in the FANCD2 gene. It is expected to result in an absent or disrupted protein product. Loss-of-function variants in FANCD2 are known to be pathogenic (PMID: 17436244). This variant is present in population databases (rs777594776, gnomAD 0.0009%). This variant has not been reported in the literature in individuals affected with FANCD2-related conditions. Algorithms developed to predict the effect of sequence changes on RNA splicing suggest that this variant may disrupt the consensus splice site.

Literature cited by the submitters: PubMed 17436244.

NM_001018115.3(FANCD2):c.694del (p.Ser232fs)

Genes: FANCD2 (FA complementation group D2; plus strand), LOC107303338 (3p25 FANCD2 Alu-mediated recombination region; plus strand). Cytogenetic location: 3p25.3.
Variant type: Deletion.
Coding change: c.694del on transcript NM_001018115.3 (MANE Select); coding-DNA position 694, one base deleted (A; older notation c.694delA).
Protein change: p.Ser232fs; shifts the reading frame from serine 232.
Molecular consequence: frameshift variant.
Genome position (GRCh38, 1-based): chr3:10,039,844, A deleted. VCF-style (leftmost placement, unchanged base first): chr3-10039843-CA-C. GRCh37 (hg19) VCF-style: chr3-10081527-CA-C.
Other names: c.694del, p.Ser232fs (NM_001319984.2, NM_001374253.1, NM_001374254.1 and 1 more transcripts); c.694del, p.Arg232fs (NM_001374255.1); short protein forms R232fs, S232fs.
Identifiers: ClinVar variation 2873003 (VCV002873003.3), dbSNP rs777594776, ClinGen allele CA2249297.
Genomic context (GRCh38, chr3:10,039,843, plus strand): 5'-CATCACCAGCCTACCTGAGATCCTAGGGGATTCCCAGCACGCTGATGTGGGGAAAGAACT[CA>C]GGTGGATAAACCCTCTGTCATCATCTAAGTGAGGCTCAGCTATGGGGGTTCTATCACTGC-3'